The following is an entry in ClinVar:

NM_006767.4(LZTR1):c.145_148del (p.Glu49fs)

Gene: LZTR1 (leucine zipper like post translational regulator 1; plus strand). Cytogenetic location: 22q11.21.
Variant type: Deletion.
Coding change: c.145_148del on transcript NM_006767.4 (MANE Select); coding-DNA positions 145 to 148, 4 bases deleted (GAAA; older notation c.145_148delGAAA).
Protein change: p.Glu49fs; shifts the reading frame from glutamic acid 49.
Molecular consequence: frameshift variant.
Genome position (GRCh38, 1-based): chr22:20,982,516-20,982,519, GAAA deleted. VCF-style (leftmost placement, unchanged base first): chr22-20982515-CGAAA-C. GRCh37 (hg19) VCF-style: chr22-21336804-CGAAA-C.
Other names: short protein forms E49fs.
Identifiers: ClinVar variation 3869326 (VCV003869326.1).

ClinVar aggregate classification (germline): Pathogenic (1 of 4 stars; one submission).

Conditions:
Cardiovascular phenotype. Identifiers: MedGen CN230736.
Hereditary cancer-predisposing syndrome. Also called: Tumor predisposition; Neoplastic Syndromes, Hereditary; Hereditary Cancer Syndrome; Hereditary neoplastic syndrome. Identifiers: Orphanet 140162, MedGen C0027672, MeSH D009386, MONDO:0015356.

Submission:

Ambry Genetics
Classification: Pathogenic for Cardiovascular phenotype; Hereditary cancer-predisposing syndrome. Last evaluated: 2025-03-03. Review status: criteria provided, single submitter. Criteria: Ambry Variant Classification Scheme 2023. Collection method: clinical testing. Allele origin: germline.
Comment: The c.145_148delGAAA pathogenic mutation, located in coding exon 1 of the LZTR1 gene, results from a deletion of 4 nucleotides at nucleotide positions 145 to 148, causing a translational frameshift with a predicted alternate stop codon (p.E49Qfs*51). This variant is considered to be rare based on population cohorts in the Genome Aggregation Database (gnomAD). This alteration is expected to result in loss of function by premature protein truncation or nonsense-mediated mRNA decay. Loss-of-function variants in LZTR1 are related to an increased risk for schwannomas and autosomal recessive Noonan syndrome; however, such associations with autosomal dominant Noonan syndrome have not been observed (Piotrowski A et al. Nat Genet. 2014 Feb;46:182-7; Yamamoto GL et al. J Med Genet. 2015 Jun;52:413-21; Johnston JJ et al. Genet Med. 2018 10;20:1175-1185). Based on the supporting evidence, this variant is pathogenic for an increased risk of LZTR1-related schwannomatosis (SWN) and would be expected to cause autosomal recessive Noonan syndrome when present along with a second pathogenic or likely pathogenic variant on the other allele; however, the association of this alteration with autosomal dominant Noonan syndrome is unlikely.